The following is an entry in ClinVar:

NM_004172.5(SLC1A3):c.476G>A (p.Gly159Asp)

Genes: SLC1A3-AS1 (SLC1A3 antisense RNA 1; minus strand), SLC1A3 (solute carrier family 1 member 3; plus strand). Cytogenetic location: 5p13.2.
Variant type: single nucleotide variant.
Coding change: c.476G>A on transcript NM_004172.5 (MANE Select); coding-DNA position 476, G replaced by A.
Protein change: p.Gly159Asp; replaces glycine 159 with aspartic acid.
Molecular consequence: missense variant.
Genome position (GRCh38, 1-based): chr5:36,671,185, G>A. VCF-style: chr5-36671185-G-A. GRCh37 (hg19) VCF-style: chr5-36671287-G-A.
Other names: c.476G>A, p.Gly159Asp (NM_001166695.3, NM_001289940.2); c.338G>A, p.Gly113Asp (NM_001289939.2); short protein forms G113D, G159D.
Identifiers: ClinVar variation 1198000 (VCV001198000.6), dbSNP rs1167788931, ClinGen allele CA359477568.

ClinVar aggregate classification (germline): Uncertain significance. Review status: criteria provided, multiple submitters, no conflicts (2 of 4 stars). 3 submissions from 3 submitters: Uncertain significance (3). Last evaluated 2025-10-12.

Conditions:
Episodic ataxia type 6. Identifiers: Orphanet 209967, MedGen C2675211, MONDO:0012982, OMIM 612656.
Inborn genetic diseases. Identifiers: MedGen C0950123, MeSH D030342.

Allele frequency attached by ClinVar (database versions not stated): gnomAD 0.00001 and 0.00003; TOPMed 0.00005.
gnomAD v4.1: 5 of 1,613,778 alleles (0.00031%); highest among the groups gnomAD compares: African/African-American, 0.0053%; no homozygotes.

Submissions (3):

GeneDx
Classification: Uncertain significance. Last evaluated: 2025-10-12. Review status: criteria provided, single submitter. Criteria: GeneDx Variant Classification Process June 2021. Collection method: clinical testing. Allele origin: germline. Affected: yes.
Comment: Not observed at significant frequency in large population cohorts (gnomAD); In silico analysis supports that this missense variant has a deleterious effect on protein structure/function; Has not been previously published as pathogenic or benign to our knowledge

Ambry Genetics
Classification: Uncertain significance for Inborn genetic diseases. Last evaluated: 2023-08-02. Review status: criteria provided, single submitter. Criteria: Ambry Variant Classification Scheme 2023. Collection method: clinical testing. Allele origin: germline.

New York Genome Center
Classification: Uncertain significance for Episodic ataxia type 6. Last evaluated: 2021-02-10. Review status: criteria provided, single submitter. Criteria: NYGC Assertion Criteria 2020. Collection method: clinical testing. Allele origin: inherited. Observed: 1 heterozygote. Study: CSER-NYCKidSeq.